The following is an entry in ClinVar:

NM_018089.3(ANKZF1):c.1891C>G (p.Gln631Glu)

Gene: ANKZF1 (ankyrin repeat and zinc finger peptidyl tRNA hydrolase 1; plus strand). Cytogenetic location: 2q35.
Variant type: single nucleotide variant.
Coding change: c.1891C>G on transcript NM_018089.3 (MANE Select); coding-DNA position 1891, C replaced by G.
Protein change: p.Gln631Glu; replaces glutamine 631 with glutamic acid.
Molecular consequence: missense variant.
Genome position (GRCh38, 1-based): chr2:219,235,795, C>G. VCF-style: chr2-219235795-C-G. GRCh37 (hg19) VCF-style: chr2-220100517-C-G.
Other names: c.1891C>G, p.Gln631Glu (NM_001042410.2); c.1261C>G, p.Gln421Glu (NM_001282792.2); short protein forms Q421E, Q631E.
Identifiers: ClinVar variation 2780939 (VCV002780939.3), dbSNP rs370657320, ClinGen allele CA2121220.
Genomic context (GRCh38, chr2:219,235,795, plus strand): 5'-GAGGCACGGCAGGCTACACGGAAAAGGGAGCAGAAGGCAGCCCGGCGGCAACGGGAGGAA[C>G]AGCAGCAGAGGCAGCAGGAGCAGGAGGAGCGTGAACGAGAAGAGCAGCGGCGATTTGCCG-3'
Protein context (NP_060559.2, residues 621-641): QKAARRQREE[Gln631Glu]QQRQQEQEER

ClinVar aggregate classification (germline): Uncertain significance (1 of 4 stars; one submission).

Allele frequency attached by ClinVar (database versions not stated): ESP Exome Variant Server 0.00008.
gnomAD v4.1: 4 of 1,614,100 alleles (0.00025%); highest among the groups gnomAD compares: Non-Finnish European, 0.00034%; no homozygotes.

Submission:

Labcorp Genetics (formerly Invitae), Labcorp
Classification: Uncertain significance. Last evaluated: 2024-08-19. Review status: criteria provided, single submitter. Criteria: Invitae Variant Classification Sherloc (09022015). Collection method: clinical testing. Allele origin: germline.
Comment: This sequence change replaces glutamine, which is neutral and polar, with glutamic acid, which is acidic and polar, at codon 631 of the ANKZF1 protein (p.Gln631Glu). This variant is present in population databases (rs370657320, gnomAD 0.0009%). This variant has not been reported in the literature in individuals affected with ANKZF1-related conditions. An algorithm developed to predict the effect of missense changes on protein structure and function outputs the following: PolyPhen-2: "Benign". The glutamic acid amino acid residue is found in multiple mammalian species, which suggests that this missense change does not adversely affect protein function. In summary, the available evidence is currently insufficient to determine the role of this variant in disease. Therefore, it has been classified as a Variant of Uncertain Significance.